The following is an entry in ClinVar:

NM_024334.3(TMEM43):c.265G>C (p.Val89Leu)

Gene: TMEM43 (transmembrane protein 43; plus strand). Cytogenetic location: 3p25.1.
Variant type: single nucleotide variant.
Coding change: c.265G>C on transcript NM_024334.3 (MANE Select); coding-DNA position 265, G replaced by C.
Protein change: p.Val89Leu; replaces valine 89 with leucine.
Molecular consequence: missense variant.
Genome position (GRCh38, 1-based): chr3:14,130,924, G>C. VCF-style: chr3-14130924-G-C. GRCh37 (hg19) VCF-style: chr3-14172424-G-C.
Other names: c.265G>C, p.Val89Leu (NM_001407274.1, NM_001407275.1, NM_001407276.1 and 2 more transcripts); c.250G>C, p.Val84Leu (NM_001407278.1); c.115G>C, p.Val39Leu (NM_001407280.1); short protein forms V39L, V89L, V84L.
Identifiers: ClinVar variation 3327104 (VCV003327104.2).

ClinVar aggregate classification (germline): Uncertain significance. Review status: criteria provided, multiple submitters, no conflicts (2 of 4 stars). 2 submissions from 2 submitters: Uncertain significance (2). Last evaluated 2025-12-13.

Conditions:
Cardiovascular phenotype. Identifiers: MedGen CN230736.
Arrhythmogenic right ventricular dysplasia 5. Also called: Arrhythmogenic Right Ventricular Dysplasia/Cardiomyopathy 5; ARRHYTHMOGENIC RIGHT VENTRICULAR DYSPLASIA, FAMILIAL, 5. Identifiers: MedGen C1858379, MONDO:0011459, OMIM 604400.

gnomAD v4.1: 3 of 1,613,100 alleles (0.00019%); highest among the groups gnomAD compares: African/African-American, 0.004%; no homozygotes.

Submissions (2):

Labcorp Genetics (formerly Invitae), Labcorp
Classification: Uncertain significance for Arrhythmogenic right ventricular dysplasia 5. Last evaluated: 2025-12-13. Review status: criteria provided, single submitter. Criteria: Invitae Variant Classification Sherloc (09022015). Collection method: clinical testing. Allele origin: germline.
Comment: This sequence change replaces valine, which is neutral and non-polar, with leucine, which is neutral and non-polar, at codon 89 of the TMEM43 protein (p.Val89Leu). This variant is present in population databases (rs147319971, gnomAD 0.007%). This variant has not been reported in the literature in individuals affected with TMEM43-related conditions. ClinVar contains an entry for this variant (Variation ID: 3327104). Invitae Evidence Modeling of protein sequence and biophysical properties (such as structural, functional, and spatial information, amino acid conservation, physicochemical variation, residue mobility, and thermodynamic stability) indicates that this missense variant is not expected to disrupt TMEM43 protein function with a negative predictive value of 80%. In summary, the available evidence is currently insufficient to determine the role of this variant in disease. Therefore, it has been classified as a Variant of Uncertain Significance.

Ambry Genetics
Classification: Uncertain significance for Cardiovascular phenotype. Last evaluated: 2024-03-15. Review status: criteria provided, single submitter. Criteria: Ambry Variant Classification Scheme 2023. Collection method: clinical testing. Allele origin: germline.
Comment: The p.V89L variant (also known as c.265G>C), located in coding exon 3 of the TMEM43 gene, results from a G to C substitution at nucleotide position 265. The valine at codon 89 is replaced by leucine, an amino acid with highly similar properties. This amino acid position is highly conserved in available vertebrate species. In addition, the in silico prediction for this alteration is inconclusive. Based on the available evidence, the clinical significance of this alteration remains unclear.